The following is an entry in ClinVar:

NM_001004334.4(GPR179):c.5858A>C (p.Glu1953Ala)

Gene: GPR179 (G protein-coupled receptor 179; minus strand). Cytogenetic location: 17q12.
Variant type: single nucleotide variant.
Coding change: c.5858A>C on transcript NM_001004334.4 (MANE Select); coding-DNA position 5858, A replaced by C.
Protein change: p.Glu1953Ala; replaces glutamic acid 1953 with alanine.
Molecular consequence: missense variant.
Genome position (GRCh38, 1-based): chr17:38,327,711, T>G on the plus strand (A>C on the coding strand, the complement: GPR179 is on the minus strand). VCF-style: chr17-38327711-T-G. GRCh37 (hg19) VCF-style: chr17-36483594-T-G.
Other names: short protein forms E1953A.
Identifiers: ClinVar variation 1486802 (VCV001486802.6), dbSNP rs1467612166, ClinGen allele CA398870705.

ClinVar aggregate classification (germline): Uncertain significance (1 of 4 stars; one submission).

Allele frequency attached by ClinVar (database versions not stated): gnomAD exomes below 0.00001.
gnomAD v4.1: 3 of 1,614,226 alleles (0.00019%); highest among the groups gnomAD compares: South Asian, 0.0022%; no homozygotes.

Submission:

Labcorp Genetics (formerly Invitae), Labcorp
Classification: Uncertain significance. Last evaluated: 2021-08-28. Review status: criteria provided, single submitter. Criteria: Invitae Variant Classification Sherloc (09022015). Collection method: clinical testing. Allele origin: germline.
Comment: In summary, the available evidence is currently insufficient to determine the role of this variant in disease. Therefore, it has been classified as a Variant of Uncertain Significance. Algorithms developed to predict the effect of missense changes on protein structure and function output the following: SIFT: "Tolerated"; PolyPhen-2: "Benign"; Align-GVGD: "Class C0". The alanine amino acid residue is found in multiple mammalian species, which suggests that this missense change does not adversely affect protein function. This variant has not been reported in the literature in individuals affected with GPR179-related conditions. This variant is not present in population databases (ExAC no frequency). This sequence change replaces glutamic acid with alanine at codon 1953 of the GPR179 protein (p.Glu1953Ala). The glutamic acid residue is weakly conserved and there is a moderate physicochemical difference between glutamic acid and alanine.